The following is an entry in ClinVar:

NM_182931.3(KMT2E):c.1463G>C (p.Arg488Thr)

Gene: KMT2E (lysine methyltransferase 2E (inactive); plus strand). Cytogenetic location: 7q22.3.
Variant type: single nucleotide variant.
Coding change: c.1463G>C on transcript NM_182931.3 (MANE Select); coding-DNA position 1463, G replaced by C.
Protein change: p.Arg488Thr; replaces arginine 488 with threonine.
Molecular consequence: missense variant.
Genome position (GRCh38, 1-based): chr7:105,090,113, G>C. VCF-style: chr7-105090113-G-C. GRCh37 (hg19) VCF-style: chr7-104730560-G-C.
Other names: c.1463G>C, p.Arg488Thr (NM_001410908.1, NM_018682.4); short protein forms R488T.
Identifiers: ClinVar variation 3667364 (VCV003667364.2).
Genomic context (GRCh38, chr7:105,090,113, plus strand): 5'-GCCCTGTTCTAAAACGTAGTTCTGAATCCATGGAAAATATCAATAGTGGTTATGAGACCA[G>C]ACGGAAAAAAGGAAAAAAAGACAAAGATATTTCAAAAGAAAAAGATACACAAAATCAGAA-3'
Protein context (NP_891847.1, residues 478-498): MENINSGYET[Arg488Thr]RKKGKKDKDI

ClinVar aggregate classification (germline): Uncertain significance (1 of 4 stars; one submission).

Submission:

Labcorp Genetics (formerly Invitae), Labcorp
Classification: Uncertain significance. Last evaluated: 2025-01-23. Review status: criteria provided, single submitter. Criteria: Invitae Variant Classification Sherloc (09022015). Collection method: clinical testing. Allele origin: germline.
Comment: This sequence change replaces arginine, which is basic and polar, with threonine, which is neutral and polar, at codon 488 of the KMT2E protein (p.Arg488Thr). This variant is not present in population databases (gnomAD no frequency). This variant has not been reported in the literature in individuals affected with KMT2E-related conditions. Invitae Evidence Modeling of protein sequence and biophysical properties (such as structural, functional, and spatial information, amino acid conservation, physicochemical variation, residue mobility, and thermodynamic stability) indicates that this missense variant is not expected to disrupt KMT2E protein function with a negative predictive value of 80%. In summary, the available evidence is currently insufficient to determine the role of this variant in disease. Therefore, it has been classified as a Variant of Uncertain Significance.